The following is an entry in ClinVar:

ClinVar aggregate classification (germline): Uncertain significance (1 of 4 stars; one submission).

Conditions:
Neurofibromatosis, type 1 (NF1). Also called: NEUROFIBROMATOSIS, TYPE I, SOMATIC; VON RECKLINGHAUSEN DISEASE; Peripheral type neurofibromatosis; Neurofibromatosis, type I. Identifiers: Orphanet 636, MedGen C0027831, MONDO:0018975, OMIM 162200. Disease mechanism: loss of function.

Submission:

Labcorp Genetics (formerly Invitae), Labcorp
Classification: Uncertain significance for Neurofibromatosis, type 1. Last evaluated: 2025-08-05. Review status: criteria provided, single submitter. Criteria: Invitae Variant Classification Sherloc (09022015). Collection method: clinical testing. Allele origin: germline.
Comment: This sequence change falls in intron 36 of the NF1 gene. It does not directly change the encoded amino acid sequence of the NF1 protein. It affects a nucleotide within the consensus splice site. This variant is not present in population databases (gnomAD no frequency). This variant has not been reported in the literature in individuals affected with NF1-related conditions. Variants that disrupt the consensus splice site are a relatively common cause of aberrant splicing (PMID: 17576681, 9536098). Algorithms developed to predict the effect of sequence changes on RNA splicing suggest that this variant may disrupt the consensus splice site. In summary, the available evidence is currently insufficient to determine the role of this variant in disease. Therefore, it has been classified as a Variant of Uncertain Significance.

Literature cited by the submitters: PubMed 17576681; PubMed 9536098.

NM_001042492.3(NF1):c.5268+4_5268+7del

Gene: NF1 (neurofibromin 1; plus strand). Cytogenetic location: 17q11.2.
Variant type: Deletion.
Coding change: c.5268+4_5268+7del on transcript NM_001042492.3 (MANE Select); bases 4 to 7 of the intron after coding-DNA position 5268, 4 bases deleted (AGTT; older notation c.5268+4_5268+7delAGTT).
Molecular consequence: intron variant.
Genome position (GRCh38, 1-based): chr17:31,326,256-31,326,259, AGTT deleted. VCF-style (leftmost placement, unchanged base first): chr17-31326255-AAGTT-A. GRCh37 (hg19) VCF-style: chr17-29653273-AAGTT-A.
Other names: c.5205+4_5205+7del (NM_000267.4).
Identifiers: ClinVar variation 4724844 (VCV004724844.1).